The following is an entry in ClinVar:

NM_020822.3(KCNT1):c.3587+2T>A

Gene: KCNT1 (potassium sodium-activated channel subfamily T member 1; plus strand). Cytogenetic location: 9q34.3.
Variant type: single nucleotide variant.
Coding change: c.3587+2T>A on transcript NM_020822.3 (MANE Select); the canonical splice donor site of the intron after coding-DNA position 3587, T replaced by A.
Molecular consequence: splice donor variant.
Genome position (GRCh38, 1-based): chr9:135,791,883, T>A. VCF-style: chr9-135791883-T-A. GRCh37 (hg19) VCF-style: chr9-138683729-T-A.
Other names: c.3515+2T>A (NM_001272003.2).
Identifiers: ClinVar variation 3254667 (VCV003254667.2), dbSNP rs1436667612.

ClinVar aggregate classification (germline): Uncertain significance (1 of 4 stars; one submission).

Conditions:
Developmental and epileptic encephalopathy, 14 (DEE14). Also called: Early infantile epileptic encephalopathy 14. Identifiers: Orphanet 293181, MedGen C3554195, MONDO:0013989, OMIM 614959.

Submission:

Victorian Clinical Genetics Services, Murdoch Childrens Research Institute
Classification: Uncertain significance for Developmental and epileptic encephalopathy, 14. Last evaluated: 2024-09-22. Review status: criteria provided, single submitter. Criteria: ACMG Guidelines, 2015. Collection method: clinical testing. Allele origin: germline. Inheritance: Autosomal dominant inheritance. Affected: yes.
Comment: Based on the classification scheme VCGS_Germline_v1.3.4, this variant is classified as VUS-3B. Following criteria are met: 0101 - Gain of function is a known mechanism of disease in this gene and is associated with developmental and epileptic encephalopathy 14 (MIM#614959). (I) 0107 - This gene is associated with autosomal dominant disease. (I) 0115 - Variants in this gene are known to have variable expressivity (PMID: 26740507). (I) 0211 - Canonical splice site variant without proven consequence on splicing (no functional evidence available). (SP) 0251 - This variant is heterozygous. (I) 0301 - Variant is absent from gnomAD (both v2 and v3). (SP) 0311 - An alternative nucleotide change at the same canonical splice site, is present in gnomAD (v3) at a frequency of 0.00001472 (1 heterozygote, 0 homozygotes). (I) 0505 - Abnormal splicing is predicted by in silico tools and affected nucleotide is highly conserved. (SP) 0705 - No comparable canonical splice variants have previous evidence for pathogenicity. (I) 0807 - This variant has no previous evidence of pathogenicity. (I) 0905 - No published segregation evidence has been identified for this variant. (I) 1007 - No published functional evidence has been identified for this variant. (I) Legend: (SP) - Supporting pathogenic, (I) - Information, (SB) - Supporting benign

Literature cited by the submitters: PubMed 26740507.